The following is an entry in ClinVar:

NM_001161352.2(KCNMA1):c.3514A>T (p.Ile1172Phe)

Gene: KCNMA1 (potassium calcium-activated channel subfamily M alpha 1; minus strand). Cytogenetic location: 10q22.3.
Variant type: single nucleotide variant.
Coding change: c.3514A>T on transcript NM_001161352.2 (MANE Select); coding-DNA position 3514, A replaced by T.
Protein change: p.Ile1172Phe; replaces isoleucine 1172 with phenylalanine.
Molecular consequence: missense variant.
Genome position (GRCh38, 1-based): chr10:76,887,463, T>A on the plus strand (A>T on the coding strand, the complement: KCNMA1 is on the minus strand). VCF-style: chr10-76887463-T-A. GRCh37 (hg19) VCF-style: chr10-78647221-T-A.
Other names: c.3190A>T, p.Ile1064Phe (NM_001271518.2); c.3430A>T, p.Ile1144Phe (NM_001271519.2); c.3349A>T, p.Ile1117Phe (NM_001322829.2, NM_001322836.2); c.3442A>T, p.Ile1148Phe (NM_001322830.2); c.3340A>T, p.Ile1114Phe (NM_001322832.2, NM_002247.4); c.3433A>T, p.Ile1145Phe (NM_001322835.2, NM_001322837.2); c.2887A>T, p.Ile963Phe (NM_001322838.2); c.3352A>T, p.Ile1118Phe (NM_001014797.3); and 1 more; short protein forms I1064F, I1114F, I1117F, I1118F, I1144F, I1145F, I1148F, I1155F.
Identifiers: ClinVar variation 1215029 (VCV001215029.3), dbSNP rs2037607195, ClinGen allele CA377402861.

ClinVar aggregate classification (germline): Uncertain significance (1 of 4 stars; one submission).

Allele frequency attached by ClinVar (database versions not stated): TOPMed below 0.00001.

Submission:

GeneDx
Classification: Uncertain significance. Last evaluated: 2020-10-16. Review status: criteria provided, single submitter. Criteria: GeneDx Variant Classification Process June 2021. Collection method: clinical testing. Allele origin: germline. Affected: yes.
Comment: Not observed in large population cohorts (Lek et al., 2016); In silico analysis supports that this missense variant has a deleterious effect on protein structure/function; Has not been previously published as pathogenic or benign to our knowledge